The following is an entry in ClinVar:

ClinVar aggregate classification (germline): Uncertain significance (1 of 4 stars; one submission).

Allele frequency attached by ClinVar (database versions not stated): ExAC 0.00001.

Submission:

Labcorp Genetics (formerly Invitae), Labcorp
Classification: Uncertain significance. Last evaluated: 2022-07-23. Review status: criteria provided, single submitter. Criteria: Invitae Variant Classification Sherloc (09022015). Collection method: clinical testing. Allele origin: germline.
Comment: In summary, the available evidence is currently insufficient to determine the role of this variant in disease. Therefore, it has been classified as a Variant of Uncertain Significance. This variant has not been reported in the literature in individuals affected with COL11A2-related conditions. This variant is present in population databases (rs778899719, gnomAD 0.0009%). This sequence change disrupts the translational stop signal of the COL11A2 mRNA. It is expected to extend the length of the COL11A2 protein by 79 additional amino acid residues.

NM_080680.3(COL11A2):c.5210A>G (p.Ter1737Trp)

Gene: COL11A2 (collagen type XI alpha 2 chain; minus strand). Cytogenetic location: 6p21.32.
Variant type: single nucleotide variant.
Coding change: c.5210A>G on transcript NM_080680.3 (MANE Select); coding-DNA position 5210, A replaced by G.
Protein change: p.Ter1737Trp.
Molecular consequence: stop lost.
Genome position (GRCh38, 1-based): chr6:33,163,679, T>C on the plus strand (A>G on the coding strand, the complement: COL11A2 is on the minus strand). VCF-style: chr6-33163679-T-C. GRCh37 (hg19) VCF-style: chr6-33131456-T-C.
Other names: c.4889A>G, p.Ter1630Trp (NM_080679.3); c.4952A>G, p.Ter1651Trp (NM_080681.3).
Identifiers: ClinVar variation 2019158 (VCV002019158.4), dbSNP rs778899719, ClinGen allele CA3749886.